The following is an entry in ClinVar:

NM_014165.4(NDUFAF4):c.88G>T (p.Ala30Ser)

Genes: NDUFAF4 (NADH:ubiquinone oxidoreductase complex assembly factor 4; minus strand), LOC129996857 (ATAC-STARR-seq lymphoblastoid active region 24846; plus strand). Cytogenetic location: 6q16.1.
Variant type: single nucleotide variant.
Coding change: c.88G>T on transcript NM_014165.4 (MANE Select); coding-DNA position 88, G replaced by T.
Protein change: p.Ala30Ser; replaces alanine 30 with serine.
Molecular consequence: missense variant.
Genome position (GRCh38, 1-based): chr6:96,897,714, C>A on the plus strand (G>T on the coding strand, the complement: NDUFAF4 is on the minus strand). VCF-style: chr6-96897714-C-A. GRCh37 (hg19) VCF-style: chr6-97345590-C-A.
Other names: c.88G>T (NM_014165.2, NM_014165.3); short protein forms A30S.
Identifiers: ClinVar variation 1508922 (VCV001508922.9), dbSNP rs780583714, ClinGen allele CA365281328.
Genomic context (GRCh38, chr6:96,897,714, plus strand): 5'-CGCACCACTCACGACTAATCTGCTCTCGCAGGAGGCTGTTGGTAGAGGGGTGTCTGGGAG[C>A]GACAGAGGGCTTCATCTTGCTGATTTCCCGTTCCGCTCGGTTCTCTAGGTTGAAATTCCT-3'
Protein context (NP_054884.1, residues 20-40): REISKMKPSV[Ala30Ser]PRHPSTNSLL

ClinVar aggregate classification (germline): Uncertain significance. Review status: criteria provided, multiple submitters, no conflicts (2 of 4 stars). 3 submissions from 3 submitters: Uncertain significance (3). Last evaluated 2025-01-30.

Conditions:
Inborn genetic diseases. Identifiers: MedGen C0950123, MeSH D030342.

Submissions (3):

Ambry Genetics
Classification: Uncertain significance for Inborn genetic diseases. Last evaluated: 2025-01-30. Review status: criteria provided, single submitter. Criteria: Ambry Variant Classification Scheme 2023. Collection method: clinical testing. Allele origin: germline.

GeneDx
Classification: Uncertain significance. Last evaluated: 2024-10-15. Review status: criteria provided, single submitter. Criteria: GeneDx Variant Classification Process June 2021. Collection method: clinical testing. Allele origin: germline. Affected: yes.
Comment: Not observed at significant frequency in large population cohorts (gnomAD); In silico analysis supports that this missense variant has a deleterious effect on protein structure/function; Has not been previously published as pathogenic or benign to our knowledge

Labcorp Genetics (formerly Invitae), Labcorp
Classification: Uncertain significance. Last evaluated: 2022-08-10. Review status: criteria provided, single submitter. Criteria: Invitae Variant Classification Sherloc (09022015). Collection method: clinical testing. Allele origin: germline.
Comment: This sequence change replaces alanine, which is neutral and non-polar, with serine, which is neutral and polar, at codon 30 of the NDUFAF4 protein (p.Ala30Ser). This variant is present in population databases (no rsID available, gnomAD 0.06%). This variant has not been reported in the literature in individuals affected with NDUFAF4-related conditions. ClinVar contains an entry for this variant (Variation ID: 1508922). Algorithms developed to predict the effect of missense changes on protein structure and function are either unavailable or do not agree on the potential impact of this missense change (SIFT: "Tolerated"; PolyPhen-2: "Probably Damaging"; Align-GVGD: "Class C0"). In summary, the available evidence is currently insufficient to determine the role of this variant in disease. Therefore, it has been classified as a Variant of Uncertain Significance.